The following is an entry in ClinVar:

ClinVar aggregate classification (germline): Uncertain significance (1 of 4 stars; one submission).

Conditions:
Hereditary cancer-predisposing syndrome. Also called: Hereditary Cancer Syndrome; Hereditary neoplastic syndrome; Neoplastic Syndromes, Hereditary; Tumor predisposition. Identifiers: Orphanet 140162, MedGen C0027672, MeSH D009386, MONDO:0015356.

Submission:

Ambry Genetics
Classification: Uncertain significance for Hereditary cancer-predisposing syndrome. Last evaluated: 2025-04-23. Review status: criteria provided, single submitter. Criteria: Ambry Variant Classification Scheme 2023. Collection method: clinical testing. Allele origin: germline.
Comment: The p.P1609S variant (also known as c.4825C>T), located in coding exon 15 of the APC gene, results from a C to T substitution at nucleotide position 4825. The proline at codon 1609 is replaced by serine, an amino acid with similar properties. This amino acid position is well conserved in available vertebrate species. In addition, in silico predictors for this gene do not accurately predict pathogenicity. Missense alterations in APC are not a common cause of disease (Spier I et al. Genet Med. 2024 Feb;26(2):100992). Based on the available evidence, the clinical significance of this variant remains unclear.

NM_000038.6(APC):c.4825C>T (p.Pro1609Ser)

Gene: APC (APC regulator of Wnt signaling pathway; plus strand). Cytogenetic location: 5q22.2.
Variant type: single nucleotide variant.
Coding change: c.4825C>T on transcript NM_000038.6 (MANE Select); coding-DNA position 4825, C replaced by T.
Protein change: p.Pro1609Ser; replaces proline 1609 with serine.
Molecular consequence: missense variant. On other transcripts: non-coding transcript variant (2).
Genome position (GRCh38, 1-based): chr5:112,840,419, C>T. VCF-style: chr5-112840419-C-T. GRCh37 (hg19) VCF-style: chr5-112176116-C-T.
Other names: c.4825C>T, p.Pro1609Ser (NM_001127510.3, NM_001354895.2, NM_001407450.1); c.4771C>T, p.Pro1591Ser (NM_001127511.3); c.4879C>T, p.Pro1627Ser (NM_001354896.2, NM_001407447.1, NM_001407448.1 and 1 more transcripts); c.4855C>T, p.Pro1619Ser (NM_001354897.2); c.4750C>T, p.Pro1584Ser (NM_001354898.2); c.4741C>T, p.Pro1581Ser (NM_001354899.2); c.4702C>T, p.Pro1568Ser (NM_001354900.2); c.4648C>T, p.Pro1550Ser (NM_001354901.2, NM_001407453.1); and 11 more; short protein forms P1225S, P1480S, P1550S, P1602S, P1637S, P1449S, P1483S, P1518S.
Identifiers: ClinVar variation 3928549 (VCV003928549.1).
Genomic context (GRCh38, chr5:112,840,419, plus strand): 5'-CGTAAAGCAAAAAAGCCAGCCCAGACTGCTTCAAAATTACCTCCACCTGTGGCAAGGAAA[C>T]CAAGTCAGCTGCCTGTGTACAAACTTCTACCATCACAAAACAGGTTGCAACCCCAAAAGC-3'
Protein context (NP_000029.2, residues 1599-1619): SKLPPPVARK[Pro1609Ser]SQLPVYKLLP